The following is an entry in ClinVar:

ClinVar aggregate classification (germline): Uncertain significance (1 of 4 stars; one submission).

Allele frequency attached by ClinVar (database versions not stated): gnomAD 0.00001; gnomAD exomes 0.00004; ExAC 0.00005; 1000 Genomes Project 0.00020; 1000 Genomes Project 30x 0.00031.
gnomAD v4.1: 26 of 1,614,080 alleles (0.0016%); highest among the groups gnomAD compares: South Asian, 0.029%; no homozygotes.

Submission:

Labcorp Genetics (formerly Invitae), Labcorp
Classification: Uncertain significance. Last evaluated: 2025-11-09. Review status: criteria provided, single submitter. Criteria: Invitae Variant Classification Sherloc (09022015). Collection method: clinical testing. Allele origin: germline.
Comment: This sequence change replaces glutamine, which is neutral and polar, with glutamic acid, which is acidic and polar, at codon 95 of the EMC1 protein (p.Gln95Glu). This variant is present in population databases (rs566586156, gnomAD 0.03%). This variant has not been reported in the literature in individuals affected with EMC1-related conditions. ClinVar contains an entry for this variant (Variation ID: 1515040). Invitae Evidence Modeling of protein sequence and biophysical properties (such as structural, functional, and spatial information, amino acid conservation, physicochemical variation, residue mobility, and thermodynamic stability) indicates that this missense variant is not expected to disrupt EMC1 protein function with a negative predictive value of 80%. In summary, the available evidence is currently insufficient to determine the role of this variant in disease. Therefore, it has been classified as a Variant of Uncertain Significance.

NM_015047.3(EMC1):c.283C>G (p.Gln95Glu)

Gene: EMC1 (ER membrane protein complex subunit 1; minus strand). Cytogenetic location: 1p36.13.
Variant type: single nucleotide variant.
Coding change: c.283C>G on transcript NM_015047.3 (MANE Select); coding-DNA position 283, C replaced by G.
Protein change: p.Gln95Glu; replaces glutamine 95 with glutamic acid.
Molecular consequence: missense variant. On other transcripts: intron variant (1).
Genome position (GRCh38, 1-based): chr1:19,243,953, G>C on the plus strand (C>G on the coding strand, the complement: EMC1 is on the minus strand). VCF-style: chr1-19243953-G-C. GRCh37 (hg19) VCF-style: chr1-19570447-G-C.
Other names: c.283C>G, p.Gln95Glu (NM_001271427.2, NM_001271428.2, NM_001375820.1 and 1 more transcripts); c.221-246C>G (NM_001271429.2); short protein forms Q95E.
Identifiers: ClinVar variation 1515040 (VCV001515040.8), dbSNP rs566586156, ClinGen allele CA652990.